The following is an entry in ClinVar:

ClinVar aggregate classification (germline): Uncertain significance (1 of 4 stars; one submission).

Submission:

GeneDx
Classification: Uncertain significance. Last evaluated: 2022-03-01. Review status: criteria provided, single submitter. Criteria: GeneDx Variant Classification Process June 2021. Collection method: clinical testing. Allele origin: germline. Affected: yes.
Comment: Not observed at significant frequency in large population cohorts (gnomAD); In silico analysis supports that this missense variant has a deleterious effect on protein structure/function; Has not been previously published as pathogenic or benign to our knowledge

NM_020791.4(TAOK1):c.166A>T (p.Ile56Phe)

Gene: TAOK1 (TAO kinase 1; plus strand). Cytogenetic location: 17q11.2.
Variant type: single nucleotide variant.
Coding change: c.166A>T on transcript NM_020791.4 (MANE Select); coding-DNA position 166, A replaced by T.
Protein change: p.Ile56Phe; replaces isoleucine 56 with phenylalanine.
Molecular consequence: missense variant.
Genome position (GRCh38, 1-based): chr17:29,467,178, A>T. VCF-style: chr17-29467178-A-T. GRCh37 (hg19) VCF-style: chr17-27794196-A-T.
Other names: c.166A>T, p.Ile56Phe (NM_025142.1); short protein forms I56F.
Identifiers: ClinVar variation 1704107 (VCV001704107.2), dbSNP rs1567726409, ClinGen allele CA399187842.